The following is an entry in ClinVar:

NM_001252024.2(TRPM1):c.1658T>C (p.Ile553Thr)

Gene: TRPM1 (transient receptor potential cation channel subfamily M member 1; minus strand). Cytogenetic location: 15q13.3.
Variant type: single nucleotide variant.
Coding change: c.1658T>C on transcript NM_001252024.2 (MANE Select); coding-DNA position 1658, T replaced by C.
Protein change: p.Ile553Thr; replaces isoleucine 553 with threonine.
Molecular consequence: missense variant.
Genome position (GRCh38, 1-based): chr15:31,047,217, A>G on the plus strand (T>C on the coding strand, the complement: TRPM1 is on the minus strand). VCF-style: chr15-31047217-A-G. GRCh37 (hg19) VCF-style: chr15-31339420-A-G.
Other names: c.1709T>C, p.Ile570Thr (NM_001252020.2); c.1592T>C, p.Ile531Thr (NM_002420.6); c.1592T>C (NM_002420.4); short protein forms I531T, I553T, I570T.
Identifiers: ClinVar variation 1004150 (VCV001004150.9), dbSNP rs774590711, ClinGen allele CA7452478.

ClinVar aggregate classification (germline): Uncertain significance. Review status: criteria provided, multiple submitters, no conflicts (2 of 4 stars). 2 submissions from 2 submitters: Uncertain significance (2). Last evaluated 2025-08-14.

Conditions:
Inborn genetic diseases. Identifiers: MedGen C0950123, MeSH D030342.

Allele frequency attached by ClinVar (database versions not stated): TOPMed below 0.00001; ExAC 0.00001; gnomAD exomes 0.00001.
gnomAD v4.1: 13 of 1,614,218 alleles (0.00081%); highest among the groups gnomAD compares: Non-Finnish European, 0.0011%; no homozygotes.

Submissions (2):

Ambry Genetics
Classification: Uncertain significance for Inborn genetic diseases. Last evaluated: 2025-08-14. Review status: criteria provided, single submitter. Criteria: Ambry Variant Classification Scheme 2023. Collection method: clinical testing. Allele origin: germline.

Labcorp Genetics (formerly Invitae), Labcorp
Classification: Uncertain significance. Last evaluated: 2024-02-24. Review status: criteria provided, single submitter. Criteria: Invitae Variant Classification Sherloc (09022015). Collection method: clinical testing. Allele origin: germline.
Comment: This sequence change replaces isoleucine, which is neutral and non-polar, with threonine, which is neutral and polar, at codon 531 of the TRPM1 protein (p.Ile531Thr). This variant is present in population databases (rs774590711, gnomAD 0.002%). This variant has not been reported in the literature in individuals affected with TRPM1-related conditions. ClinVar contains an entry for this variant (Variation ID: 1004150). Advanced modeling of protein sequence and biophysical properties (such as structural, functional, and spatial information, amino acid conservation, physicochemical variation, residue mobility, and thermodynamic stability) performed at Invitae indicates that this missense variant is not expected to disrupt TRPM1 protein function with a negative predictive value of 95%. In summary, the available evidence is currently insufficient to determine the role of this variant in disease. Therefore, it has been classified as a Variant of Uncertain Significance.